The following is an entry in ClinVar:

ClinVar aggregate classification (germline): Uncertain significance. Review status: criteria provided, multiple submitters, no conflicts (2 of 4 stars). 2 submissions from 2 submitters: Uncertain significance (2). Last evaluated 2025-12-05.

Conditions:
Hajdu-Cheney syndrome (HJCYS). Also called: ACROOSTEOLYSIS WITH OSTEOPOROSIS AND CHANGES IN SKULL AND MANDIBLE; SERPENTINE FIBULA-POLYCYSTIC KIDNEY SYNDROME; Acroosteolysis dominant type. Identifiers: Orphanet 955, MedGen C0917715, MONDO:0007057, OMIM 102500.

Allele frequency attached by ClinVar (database versions not stated): TOPMed 0.00001; 1000 Genomes Project 30x 0.00031; 1000 Genomes Project 0.00040; ExAC 0.00002; gnomAD exomes 0.00001; gnomAD 0.00003.
gnomAD v4.1: 19 of 1,609,818 alleles (0.0012%); highest among the groups gnomAD compares: East Asian, 0.0089%; no homozygotes.

Submissions (2):

Dasa
Classification: Uncertain significance. Last evaluated: 2025-12-05. Review status: criteria provided, single submitter. Criteria: DASA Assertion Criteria. Collection method: clinical testing. Allele origin: germline.
Comment: NM_024408.4(NOTCH2):c.1994G>A (p.Arg665His) is a missense variant that results in the substitution of arginine with histidine. This variant is rare in population databases. The currently available literature and clinical evidence are not sufficient to establish a definitive association between this variant and the reported condition. Therefore, this variant is classified as a variant of uncertain significance.

Labcorp Genetics (formerly Invitae), Labcorp
Classification: Uncertain significance for Hajdu-Cheney syndrome. Last evaluated: 2025-03-31. Review status: criteria provided, single submitter. Criteria: Invitae Variant Classification Sherloc (09022015). Collection method: clinical testing. Allele origin: germline.
Comment: This sequence change replaces arginine, which is basic and polar, with histidine, which is basic and polar, at codon 665 of the NOTCH2 protein (p.Arg665His). This variant is present in population databases (rs189684879, gnomAD 0.005%). This variant has not been reported in the literature in individuals affected with NOTCH2-related conditions. ClinVar contains an entry for this variant (Variation ID: 3008112). Invitae Evidence Modeling of protein sequence and biophysical properties (such as structural, functional, and spatial information, amino acid conservation, physicochemical variation, residue mobility, and thermodynamic stability) indicates that this missense variant is not expected to disrupt NOTCH2 protein function with a negative predictive value of 80%. In summary, the available evidence is currently insufficient to determine the role of this variant in disease. Therefore, it has been classified as a Variant of Uncertain Significance.

NM_024408.4(NOTCH2):c.1994G>A (p.Arg665His)

Gene: NOTCH2 (notch receptor 2; minus strand). Cytogenetic location: 1p12.
Variant type: single nucleotide variant.
Coding change: c.1994G>A on transcript NM_024408.4 (MANE Select); coding-DNA position 1994, G replaced by A.
Protein change: p.Arg665His; replaces arginine 665 with histidine.
Molecular consequence: missense variant.
Genome position (GRCh38, 1-based): chr1:119,959,424, C>T on the plus strand (G>A on the coding strand, the complement: NOTCH2 is on the minus strand). VCF-style: chr1-119959424-C-T. GRCh37 (hg19) VCF-style: chr1-120502047-C-T.
Other names: c.1994G>A, p.Arg665His (NM_001200001.2); short protein forms R665H.
Identifiers: ClinVar variation 3008112 (VCV003008112.5), dbSNP rs189684879, ClinGen allele CA1040416.